The following is an entry in ClinVar:

ClinVar aggregate classification (germline): Uncertain significance (1 of 4 stars; one submission).

Conditions:
Candidiasis, familial, 9 (CANDF9). Identifiers: Orphanet 1334, MedGen C4225324, MONDO:0014642, OMIM 616445.

Submission:

Labcorp Genetics (formerly Invitae), Labcorp
Classification: Uncertain significance for Candidiasis, familial, 9. Last evaluated: 2023-01-29. Review status: criteria provided, single submitter. Criteria: Invitae Variant Classification Sherloc (09022015). Collection method: clinical testing. Allele origin: germline.
Comment: This variant is not present in population databases (gnomAD no frequency). This sequence change replaces arginine, which is basic and polar, with histidine, which is basic and polar, at codon 576 of the IL17RC protein (p.Arg576His). This variant has not been reported in the literature in individuals affected with IL17RC-related conditions. In summary, the available evidence is currently insufficient to determine the role of this variant in disease. Therefore, it has been classified as a Variant of Uncertain Significance. Algorithms developed to predict the effect of missense changes on protein structure and function (SIFT, PolyPhen-2, Align-GVGD) all suggest that this variant is likely to be tolerated. ClinVar contains an entry for this variant (Variation ID: 861658).

NM_153460.4(IL17RC):c.1514G>A (p.Arg505His)

Genes: IL17RC (interleukin 17 receptor C; plus strand), LOC129936143 (ATAC-STARR-seq lymphoblastoid silent region 14050; plus strand). Cytogenetic location: 3p25.3.
Variant type: single nucleotide variant.
Coding change: c.1514G>A on transcript NM_153460.4 (MANE Select); coding-DNA position 1514, G replaced by A.
Protein change: p.Arg505His; replaces arginine 505 with histidine.
Molecular consequence: missense variant. On other transcripts: non-coding transcript variant (1), intron variant (5).
Genome position (GRCh38, 1-based): chr3:9,932,850, G>A. VCF-style: chr3-9932850-G-A. GRCh37 (hg19) VCF-style: chr3-9974534-G-A.
Other names: c.1418G>A, p.Arg473His (NM_001203265.2); c.1469G>A, p.Arg490His (NM_032732.6); c.1727G>A, p.Arg576His (NM_153461.4); c.1484-103G>A (NM_001203263.2); c.1433-103G>A (NM_001203264.2); c.1445-103G>A (NM_001367278.1); c.1439-103G>A (NM_001367280.1); c.1364-103G>A (NM_001367279.1); short protein forms R473H, R505H, R490H, R576H.
Identifiers: ClinVar variation 861658 (VCV000861658.7), dbSNP rs2084894919, ClinGen allele CA351703684.